The following is an entry in ClinVar:

ClinVar aggregate classification (germline): Uncertain significance (1 of 4 stars; one submission).

Conditions:
Primary open angle glaucoma (POAG). Also called: OPTN-related open angle glaucoma. Identifiers: MedGen C0339573, MONDO:0100553, OMIM 137760.
Glaucoma 1, open angle, E. Identifiers: MedGen C1842026, MONDO:0007665.
Amyotrophic lateral sclerosis type 12 (ALS12). Also called: AMYOTROPHIC LATERAL SCLEROSIS 12 WITH OR WITHOUT FRONTOTEMPORAL DEMENTIA. Identifiers: Orphanet 803, MedGen C3150692, MONDO:0013264, OMIM 613435.

Allele frequency attached by ClinVar (database versions not stated): gnomAD exomes below 0.00001.
gnomAD v4.1: 3 of 1,613,990 alleles (0.00019%); highest among the groups gnomAD compares: South Asian, 0.0033%; no homozygotes.

Submission:

Labcorp Genetics (formerly Invitae), Labcorp
Classification: Uncertain significance for Primary open angle glaucoma; Glaucoma 1, open angle, E; Amyotrophic lateral sclerosis type 12. Last evaluated: 2019-10-12. Review status: criteria provided, single submitter. Criteria: Invitae Variant Classification Sherloc (09022015). Collection method: clinical testing. Allele origin: germline.
Comment: Algorithms developed to predict the effect of missense changes on protein structure and function output the following: SIFT: "Deleterious"; PolyPhen-2: "Probably Damaging"; Align-GVGD: "Class C65". The glutamic acid amino acid residue is found in multiple mammalian species, suggesting that this missense change does not adversely affect protein function. These predictions have not been confirmed by published functional studies and their clinical significance is uncertain. In summary, the available evidence is currently insufficient to determine the role of this variant in disease. Therefore, it has been classified as a Variant of Uncertain Significance. Algorithms developed to predict the effect of sequence changes on RNA splicing suggest that this variant may disrupt the consensus splice site, but this prediction has not been confirmed by published transcriptional studies. This variant has not been reported in the literature in individuals with OPTN-related conditions. This variant is not present in population databases (ExAC no frequency). This sequence change replaces glycine with glutamic acid at codon 538 of the OPTN protein (p.Gly538Glu). The glycine residue is highly conserved and there is a moderate physicochemical difference between glycine and glutamic acid.

NM_001008212.2(OPTN):c.1613G>A (p.Gly538Glu)

Gene: OPTN (optineurin; plus strand). Cytogenetic location: 10p13.
Variant type: single nucleotide variant.
Coding change: c.1613G>A on transcript NM_001008212.2 (MANE Select); coding-DNA position 1613, G replaced by A.
Protein change: p.Gly538Glu; replaces glycine 538 with glutamic acid.
Molecular consequence: missense variant.
Genome position (GRCh38, 1-based): chr10:13,136,745, G>A. VCF-style: chr10-13136745-G-A. GRCh37 (hg19) VCF-style: chr10-13178745-G-A.
Other names: c.1613G>A, p.Gly538Glu (NM_001008211.1, NM_001008213.1, NM_021980.4); short protein forms G538E.
Identifiers: ClinVar variation 940858 (VCV000940858.10), dbSNP rs967459877, ClinGen allele CA203272148.